The following is an entry in ClinVar:

NM_004260.4(RECQL4):c.3277del (p.Asp1093fs)

Gene: RECQL4 (RecQ like helicase 4; minus strand). Cytogenetic location: 8q24.3.
Variant type: Deletion.
Coding change: c.3277del on transcript NM_004260.4 (MANE Select); coding-DNA position 3277, one base deleted (G; older notation c.3277delG).
Protein change: p.Asp1093fs; shifts the reading frame from aspartic acid 1093.
Molecular consequence: frameshift variant.
Genome position (GRCh38, 1-based): chr8:144,512,027, C deleted on the plus strand (G on the coding strand, the reverse complement: RECQL4 is on the minus strand); the first of 2 consecutive C bases (chr8:144,512,027-144,512,028); deleting either gives the same sequence. VCF-style (leftmost placement, unchanged base first): chr8-144512026-TC-T. GRCh37 (hg19) VCF-style: chr8-145737409-TC-T.
Other names: c.3277delG (NM_004260.3); short protein forms D1093fs.
Identifiers: ClinVar variation 528978 (VCV000528978.11), dbSNP rs1356876749, ClinGen allele CA586165205.

ClinVar aggregate classification (germline): Pathogenic/Likely pathogenic. Review status: criteria provided, multiple submitters, no conflicts (2 of 4 stars). 3 submissions from 3 submitters: Pathogenic (2); Likely pathogenic (1). Last evaluated 2026-03-29.

Conditions:
Baller-Gerold syndrome (BGS). Also called: CRANIOSYNOSTOSIS WITH RADIAL DEFECTS. Identifiers: Orphanet 1225, MedGen C0265308, MONDO:0009039, OMIM 218600.
Rothmund-Thomson syndrome type 2 (RTS2). Identifiers: Orphanet 221016, MedGen C5203410, MONDO:0016369, OMIM 268400.
RECQL4-related disorder. Also called: RECQL4-related condition; RECQL4-related disorders.

Submissions (3):

Victorian Clinical Genetics Services, Murdoch Childrens Research Institute
Classification: Pathogenic for Rothmund-Thomson syndrome type 2. Last evaluated: 2026-03-29. Review status: criteria provided, single submitter. Criteria: ACMG Guidelines, 2015. Collection method: clinical testing. Allele origin: germline. Affected: yes.
Comment: This variant is classified as Pathogenic. Evidence in support of pathogenic classification: Variant is predicted to cause nonsense-mediated decay (NMD) and loss of protein (premature termination codon is located at least 54 nucleotides upstream of the final exon-exon junction); Variant is present in gnomAD <0.01 for a recessive condition (v4: 21 heterozygote(s), 0 homozygote(s)); This variant has moderate previous evidence of pathogenicity in unrelated individuals. This variant has been classified as pathogenic by clinical laboratories in ClinVar and reported in the literature in individuals with Rothmund-Thomson syndrome (PMIDs: 12734318, 28486640); Other NMD-predicted variants comparable to the one identified in this case have very strong previous evidence for pathogenicity (DECIPHER). Additional information: This variant is heterozygous; This gene is associated with autosomal recessive disease; Loss of function is a known mechanism of disease in this gene and is associated with Baller-Gerold syndrome (MIM#218600), RAPADILINO syndrome (MIM#266280), and Rothmund-Thomson syndrome, type 2 (MIM#268400). There is no clear genotype-phenotype correlation; Variants in this gene are known to have variable expressivity. The clinical presentation of patients can be variable, including severity of features (PMIDs: 38021400, 20301415); Heterozygous variant detected in trans with a second PATHOGENIC heterozygous variant (NM_004260.4(RECQL4):c.792del; p.(Trp264*)) in a recessive disease.

Labcorp Genetics (formerly Invitae), Labcorp
Classification: Pathogenic for Baller-Gerold syndrome. Last evaluated: 2025-05-04. Review status: criteria provided, single submitter. Criteria: Invitae Variant Classification Sherloc (09022015). Collection method: clinical testing. Allele origin: germline.
Comment: This sequence change creates a premature translational stop signal (p.Asp1093Metfs*57) in the RECQL4 gene. It is expected to result in an absent or disrupted protein product. Loss-of-function variants in RECQL4 are known to be pathogenic (PMID: 12734318, 12952869). This variant is present in population databases (no rsID available, gnomAD 0.002%). This premature translational stop signal has been observed in individuals with Rothmund-Thomson syndrome (PMID: 12734318). This variant is also known as g.5726delG. ClinVar contains an entry for this variant (Variation ID: 528978). For these reasons, this variant has been classified as Pathogenic.

Blueprint Genetics
Classification: Likely pathogenic for RECQL4-related disorders. Last evaluated: 2023-05-11. Review status: criteria provided, single submitter. Criteria: ACMG Guidelines, 2015. Collection method: clinical testing. Allele origin: germline. Affected: yes. Observed: 4 variant alleles.

Literature cited by the submitters: PubMed 38021400 (cited by Victorian Clinical Genetics Services, Murdoch Childrens Research Institute); PubMed 20301415 (cited by Victorian Clinical Genetics Services, Murdoch Childrens Research Institute); PubMed 12734318 (cited by Victorian Clinical Genetics Services, Murdoch Childrens Research Institute and Labcorp Genetics (formerly Invitae), Labcorp); PubMed 28486640 (cited by Victorian Clinical Genetics Services, Murdoch Childrens Research Institute); PubMed 12952869 (cited by Labcorp Genetics (formerly Invitae), Labcorp).